The following is an entry in ClinVar:

NM_018076.5(ODAD2):c.2272A>G (p.Ile758Val)

Gene: ODAD2 (outer dynein arm docking complex subunit 2; minus strand). Cytogenetic location: 10p12.1.
Variant type: single nucleotide variant.
Coding change: c.2272A>G on transcript NM_018076.5 (MANE Select); coding-DNA position 2272, A replaced by G.
Protein change: p.Ile758Val; replaces isoleucine 758 with valine.
Molecular consequence: missense variant.
Genome position (GRCh38, 1-based): chr10:27,935,233, T>C on the plus strand (A>G on the coding strand, the complement: ODAD2 is on the minus strand). VCF-style: chr10-27935233-T-C. GRCh37 (hg19) VCF-style: chr10-28224162-T-C.
Other names: c.2272A>G, p.Ile758Val (NM_001290020.2); c.847A>G, p.Ile283Val (NM_001290021.2); c.1348A>G, p.Ile450Val (NM_001312689.2); short protein forms I758V, I450V, I283V.
Identifiers: ClinVar variation 474581 (VCV000474581.10), dbSNP rs143059966, ClinGen allele CA5453237.

ClinVar aggregate classification (germline): Uncertain significance. Review status: criteria provided, multiple submitters, no conflicts (2 of 4 stars). 2 submissions from 2 submitters: Uncertain significance (2). Last evaluated 2022-08-05.

Conditions:
Primary ciliary dyskinesia 23 (CILD23). Also called: CILIARY DYSKINESIA, PRIMARY, 23, WITH OR WITHOUT SITUS INVERSUS. Identifiers: Orphanet 244, MedGen C3809548, MONDO:0014193, OMIM 615451.
Primary ciliary dyskinesia. Also called: Ciliary dyskinesia. Identifiers: Orphanet 244, MedGen C0008780, MONDO:0016575, HP:0012265.

Allele frequency attached by ClinVar (database versions not stated): gnomAD exomes 0.00010; ExAC 0.00014; ESP Exome Variant Server 0.00038; gnomAD 0.00041; 1000 Genomes Project 30x 0.00047; TOPMed 0.00054; 1000 Genomes Project 0.00060.
gnomAD v4.1: 125 of 1,613,896 alleles (0.0077%); highest among the groups gnomAD compares: African/African-American, 0.13%; no homozygotes.

Submissions (2):

Labcorp Genetics (formerly Invitae), Labcorp
Classification: Uncertain significance for Primary ciliary dyskinesia 23. Last evaluated: 2022-08-05. Review status: criteria provided, single submitter. Criteria: Invitae Variant Classification Sherloc (09022015). Collection method: clinical testing. Allele origin: germline.
Comment: This sequence change replaces isoleucine, which is neutral and non-polar, with valine, which is neutral and non-polar, at codon 758 of the ARMC4 protein (p.Ile758Val). This variant is present in population databases (rs143059966, gnomAD 0.1%). This variant has not been reported in the literature in individuals affected with ARMC4-related conditions. ClinVar contains an entry for this variant (Variation ID: 474581). Algorithms developed to predict the effect of missense changes on protein structure and function (SIFT, PolyPhen-2, Align-GVGD) all suggest that this variant is likely to be tolerated. In summary, the available evidence is currently insufficient to determine the role of this variant in disease. Therefore, it has been classified as a Variant of Uncertain Significance.

Ambry Genetics
Classification: Uncertain significance for Primary ciliary dyskinesia. Last evaluated: 2021-03-19. Review status: criteria provided, single submitter. Criteria: Ambry Variant Classification Scheme 2023. Collection method: clinical testing. Allele origin: germline.
Comment: The p.I758V variant (also known as c.2272A>G), located in coding exon 15 of the ARMC4 gene, results from an A to G substitution at nucleotide position 2272. The isoleucine at codon 758 is replaced by valine, an amino acid with highly similar properties. This amino acid position is not well conserved in available vertebrate species. In addition, this alteration is predicted to be tolerated by in silico analysis. Since supporting evidence is limited at this time, the clinical significance of this alteration remains unclear.